The following is an entry in ClinVar:

ClinVar aggregate classification (germline): Pathogenic (1 of 4 stars; one submission).

Submission:

Quest Diagnostics Nichols Institute San Juan Capistrano
Classification: Pathogenic. Last evaluated: 2026-06-05. Review status: criteria provided, single submitter. Criteria: ACMG/ClinGen CNV Guidelines, 2019. Collection method: clinical testing. Allele origin: unknown.
Comment: This copy number loss involves RAD51D. Haploinsufficiency of RAD51D is associated with increased susceptibility to familial ovarian and/or cancer (CCID:007746 ). Thus, based on current medical literature this copy number variant (CNV) is classified as pathogenic.

GRCh37/hg19 17q12(chr17:32351496-34455576)x1

Genes: CCL18 (C-C motif chemokine ligand 18; plus strand), LIG3 (DNA ligase 3; plus strand), LYZL6 (lysozyme like 6; minus strand), TMEM132E-DT (TMEM132E divergent transcript; minus strand), UNC45B (unc-45 myosin chaperone B; plus strand) and 37 more. Cytogenetic location: 17q12.
Variant type: copy number loss.
Change: copy number 1 (one copy instead of two) of chr17:32,351,496-34,455,576 (2.10 Mb, GRCh37 coordinates, 1-based), cytogenetic band 17q12.
Identifiers: ClinVar variation 564429 (VCV000564429.2).